The following is an entry in ClinVar:

ClinVar aggregate classification (germline): Uncertain significance. Review status: criteria provided, multiple submitters, no conflicts (2 of 4 stars). 2 submissions from 2 submitters: Uncertain significance (2). Last evaluated 2024-01-14.

Conditions:
Hereditary cancer-predisposing syndrome. Also called: Hereditary neoplastic syndrome; Hereditary Cancer Syndrome; Neoplastic Syndromes, Hereditary; Tumor predisposition. Identifiers: Orphanet 140162, MedGen C0027672, MeSH D009386, MONDO:0015356.
Neuroblastoma, susceptibility to, 3. Also called: ALK-Related Neuroblastic Tumor Susceptibility. Identifiers: Orphanet 635, MedGen C2751681, MONDO:0013083, OMIM 613014.

Submissions (2):

Ambry Genetics
Classification: Uncertain significance for Hereditary cancer-predisposing syndrome. Last evaluated: 2024-01-14. Review status: criteria provided, single submitter. Criteria: Ambry Variant Classification Scheme 2023. Collection method: clinical testing. Allele origin: germline.
Comment: The p.R373S variant (also known as c.1119A>C), located in coding exon 4 of the ALK gene, results from an A to C substitution at nucleotide position 1119. The arginine at codon 373 is replaced by serine, an amino acid with dissimilar properties. This amino acid position is conserved. In addition, the in silico prediction for this alteration is inconclusive. Since supporting evidence is limited at this time, the clinical significance of this alteration remains unclear.

Labcorp Genetics (formerly Invitae), Labcorp
Classification: Uncertain significance for Neuroblastoma, susceptibility to, 3. Last evaluated: 2023-10-05. Review status: criteria provided, single submitter. Criteria: Invitae Variant Classification Sherloc (09022015). Collection method: clinical testing. Allele origin: germline.
Comment: This sequence change replaces arginine, which is basic and polar, with serine, which is neutral and polar, at codon 373 of the ALK protein (p.Arg373Ser). This variant is not present in population databases (gnomAD no frequency). This variant has not been reported in the literature in individuals affected with ALK-related conditions. An algorithm developed to predict the effect of missense changes on protein structure and function (PolyPhen-2) suggests that this variant is likely to be tolerated. In summary, the available evidence is currently insufficient to determine the role of this variant in disease. Therefore, it has been classified as a Variant of Uncertain Significance.

NM_004304.5(ALK):c.1119A>C (p.Arg373Ser)

Gene: ALK (ALK receptor tyrosine kinase; minus strand). Cytogenetic location: 2p23.2.
Variant type: single nucleotide variant.
Coding change: c.1119A>C on transcript NM_004304.5 (MANE Select); coding-DNA position 1119, A replaced by C.
Protein change: p.Arg373Ser; replaces arginine 373 with serine.
Molecular consequence: missense variant.
Genome position (GRCh38, 1-based): chr2:29,531,950, T>G on the plus strand (A>C on the coding strand, the complement: ALK is on the minus strand). VCF-style: chr2-29531950-T-G. GRCh37 (hg19) VCF-style: chr2-29754816-T-G.
Other names: c.1119A>C (NM_004304.4); short protein forms R373S.
Identifiers: ClinVar variation 2728589 (VCV002728589.4), dbSNP rs2465284100, ClinGen allele CA346587236.